The following is an entry in ClinVar:

ClinVar aggregate classification (germline): Uncertain significance (1 of 4 stars; one submission).

Allele frequency attached by ClinVar (database versions not stated): gnomAD exomes below 0.00001.
gnomAD v4.1: 2 of 1,613,944 alleles (0.00012%); highest among the groups gnomAD compares: Non-Finnish European, 0.00017%; no homozygotes.

Submission:

GeneDx
Classification: Uncertain significance. Last evaluated: 2020-07-21. Review status: criteria provided, single submitter. Criteria: GeneDx Variant Classification Process June 2021. Collection method: clinical testing. Allele origin: germline. Affected: yes.
Comment: Not observed in large population cohorts (Lek et al., 2016); Missense variants in this gene are often considered pathogenic (Stenson et al., 2014); In silico analysis supports that this missense variant has a deleterious effect on protein structure/function; Has not been previously published as pathogenic or benign to our knowledge; This substitution is predicted to be in the cytoplasmic loop between the second and third homologous domains (Shi et al., 2012)

NM_001040142.2(SCN2A):c.3253T>G (p.Tyr1085Asp)

Gene: SCN2A (sodium voltage-gated channel alpha subunit 2; plus strand). Cytogenetic location: 2q24.3.
Variant type: single nucleotide variant.
Coding change: c.3253T>G on transcript NM_001040142.2 (MANE Select); coding-DNA position 3253, T replaced by G.
Protein change: p.Tyr1085Asp; replaces tyrosine 1085 with aspartic acid.
Molecular consequence: missense variant.
Genome position (GRCh38, 1-based): chr2:165,354,525, T>G. VCF-style: chr2-165354525-T-G. GRCh37 (hg19) VCF-style: chr2-166211035-T-G.
Other names: c.3253T>G, p.Tyr1085Asp (NM_001040143.2, NM_001371246.1, NM_001371247.1 and 1 more transcripts); short protein forms Y1085D.
Identifiers: ClinVar variation 1217844 (VCV001217844.3), dbSNP rs1200722165, ClinGen allele CA349021530.